The following is an entry in ClinVar:

ClinVar aggregate classification (germline): Pathogenic/Likely pathogenic. Review status: criteria provided, multiple submitters, no conflicts (2 of 4 stars). 2 submissions from 2 submitters: Pathogenic (1); Likely pathogenic (1). Last evaluated 2024-02-18.

Conditions:
Combined immunodeficiency with skin granulomas. Identifiers: Orphanet 157949, MedGen C2673536, MONDO:0009306, OMIM 233650.
Severe combined immunodeficiency, autosomal recessive, T cell-negative, B cell-negative, NK cell-positive. Also called: SCID, T CELL-NEGATIVE, B CELL-NEGATIVE, NK CELL-POSITIVE; SCID, AR, T-cell negative, B-cell negative, NK cell-positive; Severe combined immunodeficiency due to complete RAG1/2 deficiency. Identifiers: Orphanet 331206, MedGen C1832322, MONDO:0011086, OMIM 601457.

Submissions (2):

Baylor Genetics
Classification: Likely pathogenic for Combined immunodeficiency with skin granulomas. Last evaluated: 2024-02-18. Review status: criteria provided, single submitter. Criteria: ACMG Guidelines, 2015. Collection method: clinical testing. Allele origin: unknown.

Labcorp Genetics (formerly Invitae), Labcorp
Classification: Pathogenic for Combined immunodeficiency with skin granulomas; Severe combined immunodeficiency, autosomal recessive, T cell-negative, B cell-negative, NK cell-positive. Last evaluated: 2020-07-08. Review status: criteria provided, single submitter. Criteria: Invitae Variant Classification Sherloc (09022015). Collection method: clinical testing. Allele origin: germline.
Comment: For these reasons, this variant has been classified as Pathogenic. This variant disrupts the C-terminus of the RAG2 protein. Other variant(s) that disrupt this region (p.Glu480*) have been determined to be pathogenic (PMID: 21624848, 29772310). This suggests that variants that disrupt this region of the protein are likely to be causative of disease. This variant has not been reported in the literature in individuals with RAG2-related conditions. This variant is not present in population databases (ExAC no frequency). This sequence change results in a premature translational stop signal in the RAG2 gene (p.Leu469Ilefs*17). While this is not anticipated to result in nonsense mediated decay, it is expected to disrupt the last 59 amino acids of the RAG2 protein.

Literature cited by the submitters: PubMed 21624848 (cited by Labcorp Genetics (formerly Invitae), Labcorp); PubMed 29772310 (cited by Labcorp Genetics (formerly Invitae), Labcorp).

NM_000536.4(RAG2):c.1403_1404dup (p.Leu469fs)

Gene: RAG2 (recombination activating 2; minus strand). Cytogenetic location: 11p12.
Variant type: Duplication.
Coding change: c.1403_1404dup on transcript NM_000536.4 (MANE Select); coding-DNA positions 1403 to 1404, 2 bases duplicated (AT; older notation c.1403_1404dupAT).
Protein change: p.Leu469fs; shifts the reading frame from leucine 469.
Molecular consequence: frameshift variant.
Genome position (GRCh38, 1-based): chr11:36,592,765-36,592,766, AT duplicated on the plus strand (AT on the coding strand, the reverse complement: RAG2 is on the minus strand). VCF-style (leftmost placement, unchanged base first): chr11-36592764-G-GAT. GRCh37 (hg19) VCF-style: chr11-36614314-G-GAT.
Other names: c.1403_1404dup, p.Leu469fs (NM_001243785.2, NM_001243786.2); short protein forms L469fs.
Identifiers: ClinVar variation 1069293 (VCV001069293.10), dbSNP rs2133311139, ClinGen allele CA2499220937.